The following is an entry in ClinVar:

ClinVar aggregate classification (germline): Pathogenic. Review status: criteria provided, multiple submitters, no conflicts (2 of 4 stars). 7 submissions from 7 submitters: Pathogenic (6). 1 of the submissions does not count toward it. Last evaluated 2025-11-14.

Conditions:
TTC19-related disorder. Also called: TTC19-related condition.
Inborn genetic diseases. Identifiers: MedGen C0950123, MeSH D030342.
Mitochondrial complex III deficiency nuclear type 2. Identifiers: MedGen C3554605, MONDO:0014063, OMIM 615157.

Allele frequency attached by ClinVar (database versions not stated): ExAC 0.00003; TOPMed 0.00003; gnomAD 0.00004; gnomAD exomes 0.00006 and 0.00007.
gnomAD v4.1: 101 of 1,607,518 alleles (0.0063%); highest among the groups gnomAD compares: Non-Finnish European, 0.0085%; no homozygotes.

Submissions (7):

Labcorp Genetics (formerly Invitae), Labcorp
Classification: Pathogenic. Last evaluated: 2025-11-14. Review status: criteria provided, single submitter. Criteria: Invitae Variant Classification Sherloc (09022015). Collection method: clinical testing. Allele origin: germline.
Comment: This sequence change creates a premature translational stop signal (p.Leu219*) in the TTC19 gene. It is expected to result in an absent or disrupted protein product. Loss-of-function variants in TTC19 are known to be pathogenic (PMID: 21278747, 24368687). This variant is present in population databases (rs747166010, gnomAD 0.01%). This premature translational stop signal has been observed in individual(s) with mitochondrial complex III deficiency (PMID: 21278747). ClinVar contains an entry for this variant (Variation ID: 31073). For these reasons, this variant has been classified as Pathogenic.

GeneDx
Classification: Pathogenic. Last evaluated: 2024-05-24. Review status: criteria provided, single submitter. Criteria: GeneDx Variant Classification Process June 2021. Collection method: clinical testing. Allele origin: germline. Affected: yes.
Comment: Significantly reduced levels of mutant transcript and absent TTC19 protein have been reported in homozygous patient cells, suggesting mutant transcripts are subject to nonsense-mediated decay (PMID: 21278747, 25887401); Nonsense variant predicted to result in protein truncation or nonsense mediated decay in a gene for which loss of function is a known mechanism of disease; Not observed at significant frequency in large population cohorts (gnomAD); This variant is associated with the following publications: (PMID: 25899669, 25525159, 25887401, 21278747)

Blueprint Genetics
Classification: Pathogenic for TTC19-related disorders. Last evaluated: 2023-11-17. Review status: criteria provided, single submitter. Criteria: ACMG Guidelines, 2015. Collection method: clinical testing. Allele origin: germline. Affected: yes. Observed: 5 variant alleles.

Women's Health and Genetics/Laboratory Corporation of America, LabCorp
Classification: Pathogenic for Mitochondrial complex III deficiency nuclear type 2. Last evaluated: 2023-08-31. Review status: criteria provided, single submitter. Criteria: LabCorp Variant Classification Summary - May 2015. Collection method: clinical testing. Allele origin: germline.
Comment: Variant summary: TTC19 c.656T>G (p.Leu219X) results in a premature termination codon, predicted to cause a truncation of the encoded protein or absence of the protein due to nonsense mediated decay, which are commonly known mechanisms for disease. The variant allele was found at a frequency of 6.4e-05 in 251354 control chromosomes (gnomAD). c.656T>G has been reported in the literature in multiple homozygous individuals affected with Mitochondrial Complex III Deficiency (example: Ghezzi_2011). These data indicate that the variant is very likely to be associated with disease. The following publication has been ascertained in the context of this evaluation (PMID: 21278747). Two submitters have cited clinical-significance assessments for this variant to ClinVar after 2014. All submitters classified the variant as pathogenic. Based on the evidence outlined above, the variant was classified as pathogenic.

Institute of Medical Genetics and Applied Genomics, University Hospital Tübingen
Classification: Pathogenic. Last evaluated: 2020-10-23. Review status: criteria provided, single submitter. Criteria: ACMG Guidelines, 2015. Collection method: clinical testing. Allele origin: germline. Inheritance: Unknown mechanism. Affected: yes.

Ambry Genetics
Classification: Pathogenic for Inborn genetic diseases. Last evaluated: 2017-11-14. Review status: criteria provided, single submitter. Criteria: Ambry exome assertion method (8-5-2015). Collection method: clinical testing. Allele origin: germline. Affected: yes. Observed: 1 variant allele.

OMIM
Classification: Pathogenic for MITOCHONDRIAL COMPLEX III DEFICIENCY, NUCLEAR TYPE 2. Last evaluated: 2011-03-01. Review status: no assertion criteria provided. Collection method: literature only. Allele origin: germline. Not counted in ClinVar's aggregate classification.

Literature cited by the submitters: PubMed 21278747 (cited by 4 submitters); PubMed 24368687 (cited by Labcorp Genetics (formerly Invitae), Labcorp); PubMed 25887401 (cited by Ambry Genetics).

NM_017775.4(TTC19):c.656T>G (p.Leu219Ter)

Gene: TTC19 (tetratricopeptide repeat domain 19; plus strand). Cytogenetic location: 17p12.
Variant type: single nucleotide variant.
Coding change: c.656T>G on transcript NM_017775.4 (MANE Select); coding-DNA position 656, T replaced by G.
Protein change: p.Leu219Ter; replaces leucine 219 with a stop codon.
Molecular consequence: nonsense.
Genome position (GRCh38, 1-based): chr17:16,006,548, T>G. VCF-style: chr17-16006548-T-G. GRCh37 (hg19) VCF-style: chr17-15909862-T-G.
Other names: c.335T>G, p.Leu112Ter (NM_001271420.2); short protein forms L219*, L112*.
Identifiers: ClinVar variation 31073 (VCV000031073.9), dbSNP rs747166010, ClinGen allele CA8407477.